The following is an entry in ClinVar:

NM_000180.4(GUCY2D):c.215G>T (p.Arg72Leu)

Gene: GUCY2D (guanylate cyclase 2D, retinal; plus strand). Cytogenetic location: 17p13.1.
Variant type: single nucleotide variant.
Coding change: c.215G>T on transcript NM_000180.4 (MANE Select); coding-DNA position 215, G replaced by T.
Protein change: p.Arg72Leu; replaces arginine 72 with leucine.
Molecular consequence: missense variant.
Genome position (GRCh38, 1-based): chr17:8,003,262, G>T. VCF-style: chr17-8003262-G-T. GRCh37 (hg19) VCF-style: chr17-7906580-G-T.
Other names: short protein forms R72L.
Identifiers: ClinVar variation 4788923 (VCV004788923.2).

ClinVar aggregate classification (germline): Uncertain significance. Review status: criteria provided, multiple submitters, no conflicts (2 of 4 stars). 2 submissions from 2 submitters: Uncertain significance (2). Last evaluated 2025-10-08.

Conditions:
Cone-rod dystrophy 6 (CORD6). Also called: RETINAL CONE DYSTROPHY 2; Cone dystrophy progressive. Identifiers: Orphanet 1872, MedGen C1866293, MONDO:0011143, OMIM 601777.
Leber congenital amaurosis 1 (LCA1). Also called: AMAUROSIS CONGENITA OF LEBER I; RETINAL BLINDNESS, CONGENITAL; Congenital absence of the rods and cones; Leber's congenital tapetoretinal degeneration; Leber's congenital tapetoretinal dysplasia. Identifiers: Orphanet 65, MedGen C2931258, MONDO:0008764, OMIM 204000.

gnomAD v4.1: 11 of 1,505,014 alleles (0.00073%); highest among the groups gnomAD compares: South Asian, 0.0012%; no homozygotes.

Submissions (2):

Labcorp Genetics (formerly Invitae), Labcorp
Classification: Uncertain significance for Leber congenital amaurosis 1; Cone-rod dystrophy 6. Last evaluated: 2025-10-08. Review status: criteria provided, single submitter. Criteria: Invitae Variant Classification Sherloc (09022015). Collection method: clinical testing. Allele origin: germline.
Comment: This sequence change replaces arginine, which is basic and polar, with leucine, which is neutral and non-polar, at codon 72 of the GUCY2D protein (p.Arg72Leu). The frequency data for this variant in the population databases is considered unreliable, as metrics indicate poor data quality at this position in the gnomAD database. This variant has not been reported in the literature in individuals affected with GUCY2D-related conditions. Invitae Evidence Modeling of protein sequence and biophysical properties (such as structural, functional, and spatial information, amino acid conservation, physicochemical variation, residue mobility, and thermodynamic stability) indicates that this missense variant is not expected to disrupt GUCY2D protein function with a negative predictive value of 80%. In summary, the available evidence is currently insufficient to determine the role of this variant in disease. Therefore, it has been classified as a Variant of Uncertain Significance.

Blueprint Genetics
Classification: Uncertain significance. Last evaluated: 2022-03-03. Review status: criteria provided, single submitter. Criteria: ACMG Guidelines, 2015. Collection method: clinical testing. Allele origin: germline.